The following is an entry in ClinVar:

NM_001367624.2(ZNF469):c.7312C>G (p.Pro2438Ala)

Gene: ZNF469 (zinc finger protein 469; plus strand). Cytogenetic location: 16q24.2.
Variant type: single nucleotide variant.
Coding change: c.7312C>G on transcript NM_001367624.2 (MANE Select); coding-DNA position 7312, C replaced by G.
Protein change: p.Pro2438Ala; replaces proline 2438 with alanine.
Molecular consequence: missense variant.
Genome position (GRCh38, 1-based): chr16:88,434,782, C>G. VCF-style: chr16-88434782-C-G. GRCh37 (hg19) VCF-style: chr16-88501190-C-G.
Other names: NM_001127464.1:c.7228C>G; short protein forms P2438A.
Identifiers: ClinVar variation 1315368 (VCV001315368.14), dbSNP rs546332627, ClinGen allele CA8225234.
Genomic context (GRCh38, chr16:88,434,782, plus strand): 5'-TTCCAGTCTGACTCCCCCCAAAGCCACAGAAATGCCTCCCACCAGACTCCCCAGGGGGAC[C>G]CCCTCGGCCCCCAAGACCTCAAACAGAGGTCCCGTGGCTATAAAAAGAAGCCTGCATCTA-3'
Protein context (NP_001354553.1, residues 2428-2448): NASHQTPQGD[Pro2438Ala]LGPQDLKQRS

ClinVar aggregate classification (germline): Uncertain significance. Review status: criteria provided, multiple submitters, no conflicts (2 of 4 stars). 5 submissions from 5 submitters: Uncertain significance (5). Last evaluated 2026-04-01.

Conditions:
Cardiovascular phenotype. Identifiers: MedGen CN230736.
Brittle cornea syndrome 1 (BCS1). Also called: CORNEAL FRAGILITY, KERATOGLOBUS, BLUE SCLERAE, JOINT HYPEREXTENSIBILITY; EDS6B; FRAGILITAS OCULI WITH JOINT HYPEREXTENSIBILITY; DYSGENESIS MESODERMALIS CORNEAE ET SCLERAE; Corneal fragility keratoglobus, blue sclerae AND joint hypermobility. Identifiers: Orphanet 90354, MedGen C0268344, MONDO:0024543, OMIM 229200.

Allele frequency attached by ClinVar (database versions not stated): TOPMed 0.00036; ExAC 0.00006; 1000 Genomes Project 30x 0.00016; gnomAD 0.00016 and 0.00017; 1000 Genomes Project 0.00020.
gnomAD v4.1: 88 of 1,550,370 alleles (0.0057%); highest among the groups gnomAD compares: Admixed American, 0.053%; no homozygotes.

Submissions (5):

Women's Health and Genetics/Laboratory Corporation of America, LabCorp
Classification: Uncertain significance. Last evaluated: 2026-04-01. Review status: criteria provided, single submitter. Criteria: LabCorp Variant Classification Summary - May 2015. Collection method: clinical testing. Allele origin: germline.
Comment: Variant summary: ZNF469 c.7312C>G (p.Pro2438Ala) results in a non-conservative amino acid change in the encoded protein sequence. Algorithms developed to predict the effect of missense changes on protein structure and function are either unavailable or do not agree on the potential impact of this missense change. The variant allele was found at a frequency of 1.3e-05 in 153160 control chromosomes. The available data on variant occurrences in the general population are insufficient to allow any conclusion about variant significance. To our knowledge, no occurrence of c.7312C>G in individuals affected with ZNF469-related conditions and no experimental evidence demonstrating its impact on protein function have been reported. ClinVar contains an entry for this variant (Variation ID: 1315368). Based on the evidence outlined above, the variant was classified as uncertain significance.

Ambry Genetics
Classification: Uncertain significance for Cardiovascular phenotype. Last evaluated: 2025-05-05. Review status: criteria provided, single submitter. Criteria: Ambry Variant Classification Scheme 2023. Collection method: clinical testing. Allele origin: germline.

Labcorp Genetics (formerly Invitae), Labcorp
Classification: Uncertain significance. Last evaluated: 2022-09-15. Review status: criteria provided, single submitter. Criteria: Invitae Variant Classification Sherloc (09022015). Collection method: clinical testing. Allele origin: germline.
Comment: This sequence change replaces proline, which is neutral and non-polar, with alanine, which is neutral and non-polar, at codon 2410 of the ZNF469 protein (p.Pro2410Ala). This variant is present in population databases (rs546332627, gnomAD 0.008%). This variant has not been reported in the literature in individuals affected with ZNF469-related conditions. ClinVar contains an entry for this variant (Variation ID: 1315368). Algorithms developed to predict the effect of missense changes on protein structure and function output the following: SIFT: "Tolerated"; PolyPhen-2: "Benign"; Align-GVGD: "Class C0". The alanine amino acid residue is found in multiple mammalian species, which suggests that this missense change does not adversely affect protein function. In summary, the available evidence is currently insufficient to determine the role of this variant in disease. Therefore, it has been classified as a Variant of Uncertain Significance.

Fulgent Genetics
Classification: Uncertain significance for Brittle cornea syndrome 1. Last evaluated: 2022-01-28. Review status: criteria provided, single submitter. Criteria: ACMG Guidelines, 2015. Collection method: clinical testing. Allele origin: unknown.

GeneDx
Classification: Uncertain significance. Last evaluated: 2020-03-24. Review status: criteria provided, single submitter. Criteria: GeneDx Variant Classification Process June 2021. Collection method: clinical testing. Allele origin: germline. Affected: yes.
Comment: Not observed at a significant frequency in large population cohorts (Lek et al., 2016); In silico analysis supports that this missense variant does not alter protein structure/function; Has not been previously published as pathogenic or benign to our knowledge